The following is an entry in ClinVar:

NM_001556.3(IKBKB):c.1623G>C (p.Gln541His)

Gene: IKBKB (inhibitor of nuclear factor kappa B kinase subunit beta; plus strand). Cytogenetic location: 8p11.21.
Variant type: single nucleotide variant.
Coding change: c.1623G>C on transcript NM_001556.3 (MANE Select); coding-DNA position 1623, G replaced by C.
Protein change: p.Gln541His; replaces glutamine 541 with histidine.
Molecular consequence: missense variant. On other transcripts: non-coding transcript variant (3).
Genome position (GRCh38, 1-based): chr8:42,320,779, G>C. VCF-style: chr8-42320779-G-C. GRCh37 (hg19) VCF-style: chr8-42178297-G-C.
Other names: c.1431G>C, p.Gln477His (NM_001190720.3); c.1446G>C, p.Gln482His (NM_001242778.2); short protein forms Q482H, Q541H, Q477H.
Identifiers: ClinVar variation 3637082 (VCV003637082.2).

ClinVar aggregate classification (germline): Uncertain significance (1 of 4 stars; one submission).

Conditions:
Severe combined immunodeficiency due to IKK2 deficiency. Also called: IMMUNODEFICIENCY 15B; Immunodeficiency 15. Identifiers: Orphanet 397787, MedGen C4747743, MONDO:0014267, OMIM 615592.

Submission:

Labcorp Genetics (formerly Invitae), Labcorp
Classification: Uncertain significance for Severe combined immunodeficiency due to IKK2 deficiency. Last evaluated: 2024-07-23. Review status: criteria provided, single submitter. Criteria: Invitae Variant Classification Sherloc (09022015). Collection method: clinical testing. Allele origin: germline.
Comment: This sequence change replaces glutamine, which is neutral and polar, with histidine, which is basic and polar, at codon 541 of the IKBKB protein (p.Gln541His). This variant is not present in population databases (gnomAD no frequency). This variant has not been reported in the literature in individuals affected with IKBKB-related conditions. Advanced modeling of protein sequence and biophysical properties (such as structural, functional, and spatial information, amino acid conservation, physicochemical variation, residue mobility, and thermodynamic stability) performed at Invitae indicates that this missense variant is not expected to disrupt IKBKB protein function with a negative predictive value of 95%. In summary, the available evidence is currently insufficient to determine the role of this variant in disease. Therefore, it has been classified as a Variant of Uncertain Significance.